The following is an entry in ClinVar:

NM_004364.5(CEBPA):c.568_594dup (p.Pro198_Ala199insSerHisProHisProHisProProPro)

Gene: CEBPA (CCAAT enhancer binding protein alpha; minus strand). Cytogenetic location: 19q13.11.
Variant type: Duplication.
Coding change: c.568_594dup on transcript NM_004364.5 (MANE Select); coding-DNA positions 568 to 594, 27 bases duplicated (TCGCACCCGCACCCGCACCCGCCGCCC).
Protein change: p.Pro198_Ala199insSerHisProHisProHisProProPro.
Molecular consequence: inframe indel (on NM_004364.3).
Genome position (GRCh38, 1-based): chr19:33,301,821-33,301,847, GGGCGGCGGGTGCGGGTGCGGGTGCGA duplicated on the plus strand (TCGCACCCGCACCCGCACCCGCCGCCC on the coding strand, the reverse complement: CEBPA is on the minus strand); duplicating any 27 consecutive bases within chr19:33,301,821-33,301,856 gives the same sequence; the c. name uses the placement nearest the transcript's 3' end. VCF-style (leftmost placement, unchanged base first): chr19-33301820-C-CGGGCGGCGGGTGCGGGTGCGGGTGCGA. GRCh37 (hg19) VCF-style: chr19-33792726-C-CGGGCGGCGGGTGCGGGTGCGGGTGCGA.
Other names: c.211_237dup, p.Pro79_Ala80insSerHisProHisProHisProProPro (NM_001285829.2); c.673_699dup, p.Pro233_Ala234insSerHisProHisProHisProProPro (NM_001287424.2); c.526_552dup, p.Pro184_Ala185insSerHisProHisProHisProProPro (NM_001287435.2); c.568_594dup (NM_004364.3).
Identifiers: ClinVar variation 3900885 (VCV003900885.2).
Genomic context (GRCh38, chr19:33,301,820, plus strand): 5'-GCATGGTGGTCTGGCCGCAGTGCGCGATCTGGAACTGCAGGTGCGGGGCGGCCAGGTGCG[C>CGGGCGGCGGGTGCGGGTGCGGGTGCGA]GGGCGGCGGGTGCGGGTGCGGGTGCGAGGGCGGCGGCGGCGGCGGCGGCTGGTAAGGGAA-3'

ClinVar aggregate classification (germline): Uncertain significance. Review status: criteria provided, multiple submitters, no conflicts (2 of 4 stars). 2 submissions from 2 submitters: Uncertain significance (2). Last evaluated 2026-01-11.

Conditions:
Acute myeloid leukemia (AML). Also called: Acute myeloid leukemia, adult; AML adult; Acute non-lymphocytic leukemia; Acute granulocytic leukemia; Leukemia, acute myeloid, somatic; Leukemia, acute myelogenous, somatic. Identifiers: Orphanet 519, MedGen C0023467, MeSH D015470, MONDO:0018874, OMIM 601626, HP:0004808. Disease mechanism: Constitutively activated FLT3.

Submissions (2):

Labcorp Genetics (formerly Invitae), Labcorp
Classification: Uncertain significance for Acute myeloid leukemia. Last evaluated: 2026-01-11. Review status: criteria provided, single submitter. Criteria: Invitae Variant Classification Sherloc (09022015). Collection method: clinical testing. Allele origin: germline.
Comment: This variant, c.568_594dup, results in the insertion of 9 amino acid(s) of the CEBPA protein (p.Ser190_Pro198dup), but otherwise preserves the integrity of the reading frame. This variant is not present in population databases (gnomAD no frequency). This variant has not been reported in the literature in individuals affected with CEBPA-related conditions. ClinVar contains an entry for this variant (Variation ID: 3900885). In summary, the available evidence is currently insufficient to determine the role of this variant in disease. Therefore, it has been classified as a Variant of Uncertain Significance.

GeneDx
Classification: Uncertain significance. Last evaluated: 2024-12-02. Review status: criteria provided, single submitter. Criteria: GeneDx Variant Classification Process June 2021. Collection method: clinical testing. Allele origin: germline. Affected: yes.
Comment: In-frame duplication of 9 amino acids in a non-repeat region; Has not been previously published as pathogenic or benign to our knowledge; This variant is associated with the following publications: (PMID: 16735515, 21455213)